The following is an entry in ClinVar:

NM_006227.4(PLTP):c.225G>A (p.Leu75=)

Gene: PLTP (phospholipid transfer protein; minus strand). Cytogenetic location: 20q13.12.
Variant type: single nucleotide variant.
Coding change: c.225G>A on transcript NM_006227.4 (MANE Select); coding-DNA position 225, G replaced by A.
Protein change: p.Leu75=; no amino-acid change (leucine 75 retained).
Molecular consequence: synonymous variant. On other transcripts: 5 prime UTR variant (1), intron variant (1).
Genome position (GRCh38, 1-based): chr20:45,910,046, C>T on the plus strand (G>A on the coding strand, the complement: PLTP is on the minus strand). VCF-style: chr20-45910046-C-T. GRCh37 (hg19) VCF-style: chr20-44538685-C-T.
Other names: c.-40G>A (NM_001242921.1); c.225G>A, p.Leu75= (NM_182676.3); c.200+1106G>A (NM_001242920.2).
Identifiers: ClinVar variation 3049751 (VCV003049751.3), dbSNP rs772838662, ClinGen allele CA9883955.

ClinVar aggregate classification (germline): Likely benign. Review status: criteria provided, single submitter (1 of 4 stars). 2 submissions from 2 submitters: Likely benign (1). 1 of the submissions does not count toward it. Last evaluated 2025-10-09.

Conditions:
PLTP-related disorder. Also called: PLTP-related condition.

Allele frequency attached by ClinVar (database versions not stated): ExAC 0.00002; gnomAD 0.00003; gnomAD exomes 0.00004; TOPMed 0.00004.

Submissions (2):

Labcorp Genetics (formerly Invitae), Labcorp
Classification: Likely benign. Last evaluated: 2025-10-09. Review status: criteria provided, single submitter. Criteria: Invitae Variant Classification Sherloc (09022015). Collection method: clinical testing. Allele origin: germline.

PreventionGenetics, part of Exact Sciences
Classification: Likely benign for PLTP-related condition. Last evaluated: 2019-07-25. Review status: no assertion criteria provided. Collection method: clinical testing. Allele origin: germline. Not counted in ClinVar's aggregate classification.
Comment: This variant is classified as likely benign based on ACMG/AMP sequence variant interpretation guidelines (Richards et al. 2015 PMID: 25741868, with internal and published modifications).